The following is an entry in ClinVar:

NM_005045.4(RELN):c.582A>G (p.Glu194=)

Gene: RELN (reelin; minus strand). Cytogenetic location: 7q22.1.
Variant type: single nucleotide variant.
Coding change: c.582A>G on transcript NM_005045.4 (MANE Select); coding-DNA position 582, A replaced by G.
Protein change: p.Glu194=; no amino-acid change (glutamic acid 194 retained).
Molecular consequence: synonymous variant.
Genome position (GRCh38, 1-based): chr7:103,749,500, T>C on the plus strand (A>G on the coding strand, the complement: RELN is on the minus strand). VCF-style: chr7-103749500-T-C. GRCh37 (hg19) VCF-style: chr7-103389947-T-C.
Other names: c.582A>G, p.Glu194= (NM_173054.3).
Identifiers: ClinVar variation 2950770 (VCV002950770.5), dbSNP rs2485056218, ClinGen allele CA457132739.

ClinVar aggregate classification (germline): Conflicting classifications of pathogenicity. Review status: criteria provided, conflicting classifications (1 of 4 stars). 2 submissions from 2 submitters: Uncertain significance (1); Likely benign (1). Last evaluated 2026-05-01.

Conditions:
Norman-Roberts syndrome (LIS2). Also called: Lissencephaly 2 (Norman-Roberts type). Identifiers: Orphanet 89844, MedGen C0796089, MONDO:0009760, OMIM 257320.
Familial temporal lobe epilepsy 7. Identifiers: Orphanet 101046, MedGen C4225327, MONDO:0014639, OMIM 616436.

Submissions (2):

CeGaT Center for Human Genetics Tuebingen
Classification: Uncertain significance. Last evaluated: 2026-05-01. Review status: criteria provided, single submitter. Criteria: CeGaT Center For Human Genetics Tuebingen Variant Classification Criteria Version 2. Collection method: clinical testing. Allele origin: germline. Affected: yes. Observed: 1 variant allele.
Comment: RELN: PM2:Supporting, BP4

Labcorp Genetics (formerly Invitae), Labcorp
Classification: Likely benign for Familial temporal lobe epilepsy 7; Norman-Roberts syndrome. Last evaluated: 2023-08-07. Review status: criteria provided, single submitter. Criteria: Invitae Variant Classification Sherloc (09022015). Collection method: clinical testing. Allele origin: germline.